The following is an entry in ClinVar:

NM_004928.3(CFAP410):c.331G>A (p.Val111Met)

Gene: CFAP410 (cilia and flagella associated protein 410; minus strand). Cytogenetic location: 21q22.3.
Variant type: single nucleotide variant.
Coding change: c.331G>A on transcript NM_004928.3 (MANE Select); coding-DNA position 331, G replaced by A.
Protein change: p.Val111Met; replaces valine 111 with methionine.
Molecular consequence: missense variant.
Genome position (GRCh38, 1-based): chr21:44,333,075, C>T on the plus strand (G>A on the coding strand, the complement: CFAP410 is on the minus strand). VCF-style: chr21-44333075-C-T. GRCh37 (hg19) VCF-style: chr21-45752958-C-T.
Other names: c.331G>A, p.Val111Met (NM_001271440.2, NM_001271441.2); c.208G>A, p.Val70Met (NM_001271442.1); short protein forms V111M, V70M.
Identifiers: ClinVar variation 428582 (VCV000428582.15), dbSNP rs555164150, ClinGen allele CA10053724.

ClinVar aggregate classification (germline): Pathogenic/Likely pathogenic. Review status: criteria provided, multiple submitters, no conflicts (2 of 4 stars). 4 submissions from 4 submitters: Pathogenic (2); Likely pathogenic (1). 1 of the submissions does not count toward it. Last evaluated 2025-06-25.

Conditions:
CFAP410-related disorder. Also called: CFAP410-related condition.
C21ORF2 & CFAP410-related disorders.
Axial spondylometaphyseal dysplasia. Also called: AXIAL SMD. Identifiers: Orphanet 168549, MedGen C1865695, MONDO:0011211, OMIM 602271.

Allele frequency attached by ClinVar (database versions not stated): gnomAD exomes 0.00002; TOPMed 0.00002; ExAC 0.00005; 1000 Genomes Project 30x 0.00016; 1000 Genomes Project 0.00020.
gnomAD v4.1: 35 of 1,608,042 alleles (0.0022%); highest among the groups gnomAD compares: East Asian, 0.0067%; no homozygotes.

Submissions (4):

PreventionGenetics, part of Exact Sciences
Classification: Likely pathogenic for CFAP410-related condition. Last evaluated: 2025-06-25. Review status: criteria provided, single submitter. Criteria: ACMG Guidelines, 2015. Collection method: clinical testing. Allele origin: germline.
Comment: The CFAP410 c.331G>A variant is predicted to result in the amino acid substitution p.Val111Met. This variant has been reported in the compound heterozygous state with another CFAP410 variant in individuals with retinitis pigmentosa and skeletal anomalies (Suga et al. 2016. PubMed ID: 27548899; Shin et al. 2020. PubMed ID: 33307614). This variant was present in the compound heterozygous state in an affected sibling (Suga et al. 2016. PubMed ID: 27548899). In vitro functional studies demonstrate that expression of this variant results in decreased protein levels and cellular mislocalization compared to wildtype (Suga et al. 2016. PubMed ID: 27548899). This variant is reported in 0.0057% of alleles in individuals of East Asian descent in gnomAD. This variant is interpreted as likely pathogenic.

Labcorp Genetics (formerly Invitae), Labcorp
Classification: Pathogenic. Last evaluated: 2024-10-23. Review status: criteria provided, single submitter. Criteria: Invitae Variant Classification Sherloc (09022015). Collection method: clinical testing. Allele origin: germline.
Comment: This sequence change replaces valine, which is neutral and non-polar, with methionine, which is neutral and non-polar, at codon 111 of the CFAP410 protein (p.Val111Met). This variant is present in population databases (rs555164150, gnomAD 0.006%). This missense change has been observed in individual(s) with retinitis pigmentosa and skeletal defects (PMID: 27548899, 33307614). In at least one individual the data is consistent with being in trans (on the opposite chromosome) from a pathogenic variant. It has also been observed to segregate with disease in related individuals. ClinVar contains an entry for this variant (Variation ID: 428582). Invitae Evidence Modeling of protein sequence and biophysical properties (such as structural, functional, and spatial information, amino acid conservation, physicochemical variation, residue mobility, and thermodynamic stability) has been performed for this missense variant. However, the output from this modeling did not meet the statistical confidence thresholds required to predict the impact of this variant on CFAP410 protein function. Experimental studies have shown that this missense change affects CFAP410 function (PMID: 27548899). For these reasons, this variant has been classified as Pathogenic.

Blueprint Genetics
Classification: Pathogenic for C21ORF2 & CFAP410-related disorders. Last evaluated: 2021-12-22. Review status: criteria provided, single submitter. Criteria: ACMG Guidelines, 2015. Collection method: clinical testing. Allele origin: germline. Affected: yes. Observed: 5 variant alleles.

OMIM
Classification: Pathogenic for SPONDYLOMETAPHYSEAL DYSPLASIA, AXIAL. Last evaluated: 2018-07-17. Review status: no assertion criteria provided. Collection method: literature only. Allele origin: germline. Not counted in ClinVar's aggregate classification.

Literature cited by the submitters: PubMed 27548899 (cited by Labcorp Genetics (formerly Invitae), Labcorp and OMIM); PubMed 33307614 (cited by Labcorp Genetics (formerly Invitae), Labcorp).